The following is an entry in ClinVar:

ClinVar aggregate classification (germline): Uncertain significance (1 of 4 stars; one submission).

Allele frequency attached by ClinVar (database versions not stated): gnomAD exomes below 0.00001; gnomAD 0.00001; TOPMed 0.00002.
gnomAD v4.1: 7 of 1,613,850 alleles (0.00043%); highest among the groups gnomAD compares: African/African-American, 0.0027%; no homozygotes.

Submission:

Labcorp Genetics (formerly Invitae), Labcorp
Classification: Uncertain significance. Last evaluated: 2023-10-05. Review status: criteria provided, single submitter. Criteria: Invitae Variant Classification Sherloc (09022015). Collection method: clinical testing. Allele origin: germline.
Comment: This sequence change replaces arginine, which is basic and polar, with glutamine, which is neutral and polar, at codon 2234 of the FAT4 protein (p.Arg2234Gln). This variant is not present in population databases (gnomAD no frequency). This variant has not been reported in the literature in individuals affected with FAT4-related conditions. ClinVar contains an entry for this variant (Variation ID: 1504342). Advanced modeling of protein sequence and biophysical properties (such as structural, functional, and spatial information, amino acid conservation, physicochemical variation, residue mobility, and thermodynamic stability) performed at Invitae indicates that this missense variant is not expected to disrupt FAT4 protein function. In summary, the available evidence is currently insufficient to determine the role of this variant in disease. Therefore, it has been classified as a Variant of Uncertain Significance.

NM_001291303.3(FAT4):c.6701G>A (p.Arg2234Gln)

Gene: FAT4 (FAT atypical cadherin 4; plus strand). Cytogenetic location: 4q28.1.
Variant type: single nucleotide variant.
Coding change: c.6701G>A on transcript NM_001291303.3 (MANE Select); coding-DNA position 6701, G replaced by A.
Protein change: p.Arg2234Gln; replaces arginine 2234 with glutamine.
Molecular consequence: missense variant.
Genome position (GRCh38, 1-based): chr4:125,415,664, G>A. VCF-style: chr4-125415664-G-A. GRCh37 (hg19) VCF-style: chr4-126336819-G-A.
Other names: c.6701G>A, p.Arg2234Gln (NM_001291285.3, NM_024582.6); short protein forms R2234Q.
Identifiers: ClinVar variation 1504342 (VCV001504342.4), dbSNP rs1271830683, ClinGen allele CA358130361.